The following is an entry in ClinVar:

ClinVar aggregate classification (germline): Uncertain significance (1 of 4 stars; one submission).

Conditions:
Peroxisome biogenesis disorder 11A (Zellweger). Also called: Peroxisome biogenesis disorder 11A. Identifiers: Orphanet 912, MedGen C3554000, MONDO:0013949, OMIM 614883.

Allele frequency attached by ClinVar (database versions not stated): gnomAD exomes below 0.00001; ExAC 0.00001.
gnomAD v4.1: 1 of 1,613,406 alleles (0.000062%); highest among the groups gnomAD compares: Non-Finnish European, 0.000085%; no homozygotes.

Submission:

Labcorp Genetics (formerly Invitae), Labcorp
Classification: Uncertain significance for Peroxisome biogenesis disorder 11A (Zellweger). Last evaluated: 2022-02-10. Review status: criteria provided, single submitter. Criteria: Invitae Variant Classification Sherloc (09022015). Collection method: clinical testing. Allele origin: germline.
Comment: This variant has not been reported in the literature in individuals affected with PEX13-related conditions. This variant is present in population databases (rs762797895, gnomAD 0.0009%). This sequence change replaces alanine, which is neutral and non-polar, with threonine, which is neutral and polar, at codon 268 of the PEX13 protein (p.Ala268Thr). In summary, the available evidence is currently insufficient to determine the role of this variant in disease. Therefore, it has been classified as a Variant of Uncertain Significance. Algorithms developed to predict the effect of missense changes on protein structure and function are either unavailable or do not agree on the potential impact of this missense change (SIFT: "Deleterious"; PolyPhen-2: "Benign"; Align-GVGD: "Class C0"). ClinVar contains an entry for this variant (Variation ID: 1023698).

NM_002618.4(PEX13):c.802G>A (p.Ala268Thr)

Gene: PEX13 (peroxisomal biogenesis factor 13; plus strand). Cytogenetic location: 2p15.
Variant type: single nucleotide variant.
Coding change: c.802G>A on transcript NM_002618.4 (MANE Select); coding-DNA position 802, G replaced by A.
Protein change: p.Ala268Thr; replaces alanine 268 with threonine.
Molecular consequence: missense variant.
Genome position (GRCh38, 1-based): chr2:61,045,740, G>A. VCF-style: chr2-61045740-G-A. GRCh37 (hg19) VCF-style: chr2-61272875-G-A.
Other names: short protein forms A268T.
Identifiers: ClinVar variation 1023698 (VCV001023698.8), dbSNP rs762797895, ClinGen allele CA1673360.
Genomic context (GRCh38, chr2:61,045,740, plus strand): 5'-TTTTCTTTTGTAAATTTTATTAACCTAATTTTAATTTGGCTTATAGACAGCATCAACTGG[G>A]CAAGTGGTGAGGATGACCATGTAGTTGCCAGAGCAGAATATGATTTTGCTGCCGTATCTG-3'
Protein context (NP_002609.1, residues 258-278): SDEVTDSINW[Ala268Thr]SGEDDHVVAR